The following is an entry in ClinVar:

NM_003079.5(SMARCE1):c.1049C>T (p.Thr350Ile)

Gene: SMARCE1 (SWI/SNF related BAF chromatin remodeling complex subunit E1; minus strand). Cytogenetic location: 17q21.2.
Variant type: single nucleotide variant.
Coding change: c.1049C>T on transcript NM_003079.5 (MANE Select); coding-DNA position 1049, C replaced by T.
Protein change: p.Thr350Ile; replaces threonine 350 with isoleucine.
Molecular consequence: missense variant.
Genome position (GRCh38, 1-based): chr17:40,628,972, G>A on the plus strand (C>T on the coding strand, the complement: SMARCE1 is on the minus strand). VCF-style: chr17-40628972-G-A. GRCh37 (hg19) VCF-style: chr17-38785224-G-A.
Other names: short protein forms T350I.
Identifiers: ClinVar variation 3799020 (VCV003799020.1).

ClinVar aggregate classification (germline): Uncertain significance (1 of 4 stars; one submission).

Conditions:
Hereditary cancer-predisposing syndrome. Also called: Neoplastic Syndromes, Hereditary; Hereditary Cancer Syndrome; Tumor predisposition; Hereditary neoplastic syndrome. Identifiers: Orphanet 140162, MedGen C0027672, MeSH D009386, MONDO:0015356.

gnomAD v4.1: 1 of 1,613,690 alleles (0.000062%); highest among the groups gnomAD compares: Non-Finnish European, 0.000085%; no homozygotes.

Submission:

Ambry Genetics
Classification: Uncertain significance for Hereditary cancer-predisposing syndrome. Last evaluated: 2025-02-09. Review status: criteria provided, single submitter. Criteria: Ambry Variant Classification Scheme 2023. Collection method: clinical testing. Allele origin: germline.
Comment: The p.T350I variant (also known as c.1049C>T), located in coding exon 10 of the SMARCE1 gene, results from a C to T substitution at nucleotide position 1049. The threonine at codon 350 is replaced by isoleucine, an amino acid with similar properties. This amino acid position is conserved. In addition, this alteration is predicted to be tolerated by in silico analysis. Based on the available evidence, the clinical significance of this variant remains unclear.